The following is an entry in ClinVar:

NM_012082.4(ZFPM2):c.964+1G>C

Genes: ZFPM2 (zinc finger protein, FOG family member 2; plus strand), ZFPM2-AS1 (ZFPM2 antisense RNA 1; minus strand). Cytogenetic location: 8q23.1.
Variant type: single nucleotide variant.
Coding change: c.964+1G>C on transcript NM_012082.4 (MANE Select); the canonical splice donor site of the intron after coding-DNA position 964, G replaced by C.
Molecular consequence: splice donor variant.
Genome position (GRCh38, 1-based): chr8:105,798,949, G>C. VCF-style: chr8-105798949-G-C. GRCh37 (hg19) VCF-style: chr8-106811177-G-C.
Other names: c.805+1G>C (NM_001362836.2); c.568+1G>C (NM_001362837.2).
Identifiers: ClinVar variation 4280046 (VCV004280046.1).

ClinVar aggregate classification (germline): Likely pathogenic (1 of 4 stars; one submission).

Conditions:
Diaphragmatic hernia 3 (DIH3). Identifiers: Orphanet 2140, MedGen C1857781, MONDO:0012431, OMIM 610187.

Submission:

Johns Hopkins Genomics, Johns Hopkins University
Classification: Likely pathogenic for Diaphragmatic hernia 3. Last evaluated: 2024-09-07. Review status: criteria provided, single submitter. Criteria: ACMG Guidelines, 2015. Collection method: clinical testing. Allele origin: germline.
Comment: This ZFPM2 variant is absent from a large population dataset and has not been reported in ClinVar nor the literature, to our knowledge. Bioinformatic analysis predicts that this variant would disrupt the canonical splice donor site in intron 7 of ZFPM2. We consider c.964+1G>C to be likely pathogenic for autosomal dominant diaphragmatic hernia-3.

Literature cited by the submitters: PubMed 16103912; PubMed 17568391; PubMed 24702427.